The following is an entry in ClinVar:

NM_000439.5(PCSK1):c.122G>C (p.Gly41Ala)

Genes: CAST (calpastatin; plus strand), PCSK1 (proprotein convertase subtilisin/kexin type 1; minus strand), LOC101929710 (uncharacterized LOC101929710; plus strand). Cytogenetic location: 5q15.
Variant type: single nucleotide variant.
Coding change: c.122G>C on transcript NM_000439.5 (MANE Select); coding-DNA position 122, G replaced by C.
Protein change: p.Gly41Ala; replaces glycine 41 with alanine.
Molecular consequence: missense variant. On other transcripts: intron variant (11).
Genome position (GRCh38, 1-based): chr5:96,432,921, C>G on the plus strand (G>C on the coding strand, the complement: PCSK1 is on the minus strand). VCF-style: chr5-96432921-C-G. GRCh37 (hg19) VCF-style: chr5-95768625-C-G.
Other names: c.-175+53269C>G (NM_001423254.1, NM_001423259.1, NM_001423255.1 and 6 more transcripts); c.-103+53269C>G (NM_001423253.1); c.-40+53269C>G (NM_001423258.1); short protein forms G41A.
Identifiers: ClinVar variation 3353322 (VCV003353322.1).
Genomic context (GRCh38, chr5:96,432,921, plus strand): 5'-ACCTGACCCAAAAGGTCATAGCCCAGCTCCTCGGCGATGGCCGAGGCTGCTTCCGGGCCC[C>G]CGGGGATCTCCGCTGCCCATTCATTGACAAATTGCCTTTTCGCTTTTGCACTGTTCAGTG-3'
Protein context (NP_000430.3, residues 31-51): FVNEWAAEIP[Gly41Ala]GPEAASAIAE

ClinVar aggregate classification (germline): Uncertain significance (0 of 4 stars; one submission).

Conditions:
PCSK1-related disorder. Also called: PCSK1-related condition.

gnomAD v4.1: 4 of 1,614,036 alleles (0.00025%); highest among the groups gnomAD compares: Non-Finnish European, 0.00034%; no homozygotes.

Submission:

PreventionGenetics, part of Exact Sciences
Classification: Uncertain significance for PCSK1-related condition. Last evaluated: 2024-08-29. Review status: no assertion criteria provided. Collection method: clinical testing. Allele origin: germline.
Comment: The PCSK1 c.122G>C variant is predicted to result in the amino acid substitution p.Gly41Ala. To our knowledge, this variant has not been reported in the literature or in a large population database, indicating this variant is rare. At this time, the clinical significance of this variant is uncertain due to the absence of conclusive functional and genetic evidence.